The following is an entry in ClinVar:

ClinVar aggregate classification (germline): Pathogenic (1 of 4 stars; one submission).

Conditions:
Familial thoracic aortic aneurysm and aortic dissection (TAAD). Also called: Thoracic aortic aneurysms and dissections. Identifiers: Orphanet 91387, MedGen C4707243, MONDO:0019625.
Marfan syndrome (MFS). Also called: FBN1-Related Marfan Syndrome; Marfan syndrome type 1; Marfan's syndrome; Marfan syndrome, classic; MARFAN SYNDROME, TYPE I. Identifiers: Orphanet 284963, Orphanet 558, MedGen C0024796, MONDO:0007947, OMIM 154700.

Submission:

Labcorp Genetics (formerly Invitae), Labcorp
Classification: Pathogenic for Marfan syndrome; Familial thoracic aortic aneurysm and aortic dissection. Last evaluated: 2018-11-06. Review status: criteria provided, single submitter. Criteria: Invitae Variant Classification Sherloc (09022015). Collection method: clinical testing. Allele origin: germline.
Comment: For these reasons, this variant has been classified as Pathogenic. This sequence change creates a premature translational stop signal (p.Thr468Asnfs*8) in the FBN1 gene. It is expected to result in an absent or disrupted protein product. This variant is not present in population databases (ExAC no frequency). This variant has not been reported in the literature in individuals with FBN1-related disease. Loss-of-function variants in FBN1 are known to be pathogenic (PMID: 17657824, 19293843).

Literature cited by the submitters: PubMed 17657824; PubMed 19293843.

NM_000138.5(FBN1):c.1400dup (p.Thr468fs)

Gene: FBN1 (fibrillin 1; minus strand). Cytogenetic location: 15q21.1.
Variant type: Duplication.
Coding change: c.1400dup on transcript NM_000138.5 (MANE Select); coding-DNA position 1400, one base duplicated (C; older notation c.1400dupC).
Protein change: p.Thr468fs; shifts the reading frame from threonine 468.
Molecular consequence: frameshift variant.
Genome position (GRCh38, 1-based): chr15:48,515,455, G duplicated on the plus strand (C on the coding strand, the reverse complement: FBN1 is on the minus strand); the first of 2 consecutive G bases (chr15:48,515,455-48,515,456); duplicating either gives the same sequence. VCF-style (leftmost placement, unchanged base first): chr15-48515454-T-TG. GRCh37 (hg19) VCF-style: chr15-48807651-T-TG.
Other names: c.1400dupC (NM_000138.4); short protein forms T468fs.
Identifiers: ClinVar variation 663648 (VCV000663648.6), dbSNP rs1597580984, ClinGen allele CA915946607.
Genomic context (GRCh38, chr15:48,515,454, plus strand): 5'-CTCCCCACGGAGGTCCAGCTGGAACCCTTTGTTGCACTCACACCGGTAACTCCCAGGAGT[T>TG]GGAATGCAGCGTCCATTTTGACAGAGATAGCGGACCAACTGGCAGTAATCAGTAACGTTT-3'